The following is an entry in ClinVar:

NM_019066.5(MAGEL2):c.3202A>C (p.Lys1068Gln)

Gene: MAGEL2 (MAGE family member L2; minus strand). Cytogenetic location: 15q11.2.
Variant type: single nucleotide variant.
Coding change: c.3202A>C on transcript NM_019066.5 (MANE Select); coding-DNA position 3202, A replaced by C.
Protein change: p.Lys1068Gln; replaces lysine 1068 with glutamine.
Molecular consequence: missense variant.
Genome position (GRCh38, 1-based): chr15:23,644,541, T>G on the plus strand (A>C on the coding strand, the complement: MAGEL2 is on the minus strand). VCF-style: chr15-23644541-T-G. GRCh37 (hg19) VCF-style: chr15-23889688-T-G.
Other names: short protein forms K1068Q.
Identifiers: ClinVar variation 2446548 (VCV002446548.3), dbSNP rs374449834, ClinGen allele CA7429724.

ClinVar aggregate classification (germline): Uncertain significance. Review status: criteria provided, multiple submitters, no conflicts (2 of 4 stars). 2 submissions from 2 submitters: Uncertain significance (2). Last evaluated 2024-07-30.

Allele frequency attached by ClinVar (database versions not stated): gnomAD exomes below 0.00001; ExAC 0.00001; TOPMed 0.00001; gnomAD 0.00003; ESP Exome Variant Server 0.00008.
gnomAD v4.1: 6 of 1,613,706 alleles (0.00037%); highest among the groups gnomAD compares: African/African-American, 0.0067%; no homozygotes.

Submissions (2):

Labcorp Genetics (formerly Invitae), Labcorp
Classification: Uncertain significance. Last evaluated: 2024-07-30. Review status: criteria provided, single submitter. Criteria: Invitae Variant Classification Sherloc (09022015). Collection method: clinical testing. Allele origin: germline.
Comment: This sequence change replaces lysine, which is basic and polar, with glutamine, which is neutral and polar, at codon 1068 of the MAGEL2 protein (p.Lys1068Gln). This variant is not present in population databases (gnomAD no frequency). This variant has not been reported in the literature in individuals affected with MAGEL2-related conditions. ClinVar contains an entry for this variant (Variation ID: 2446548). Advanced modeling of protein sequence and biophysical properties (such as structural, functional, and spatial information, amino acid conservation, physicochemical variation, residue mobility, and thermodynamic stability) has been performed at Invitae for this missense variant, however the output from this modeling did not meet the statistical confidence thresholds required to predict the impact of this variant on MAGEL2 protein function. In summary, the available evidence is currently insufficient to determine the role of this variant in disease. Therefore, it has been classified as a Variant of Uncertain Significance.

GeneDx
Classification: Uncertain significance. Last evaluated: 2023-03-23. Review status: criteria provided, single submitter. Criteria: GeneDx Variant Classification Process June 2021. Collection method: clinical testing. Allele origin: germline. Affected: yes.
Comment: Not observed at significant frequency in large population cohorts (gnomAD); In silico analysis, which includes protein predictors and evolutionary conservation, supports that this variant does not alter protein structure/function; Has not been previously published as pathogenic or benign to our knowledge